The following is an entry in ClinVar:

ClinVar aggregate classification (germline): Uncertain significance. Review status: criteria provided, multiple submitters, no conflicts (2 of 4 stars). 5 submissions from 5 submitters: Uncertain significance (5). Last evaluated 2026-01-12.

Conditions:
Inborn genetic diseases. Identifiers: MedGen C0950123, MeSH D030342.
Hyperinsulinemic hypoglycemia, familial, 1 (HHF1). Also called: Persistent hyperinsulinemic hypoglycemia of infancy; Persistent Hyperinsulinemia Hypoglycemia of Infancy; HYPERINSULINISM, FAMILIAL, WITH PANCREATIC NESIDIOBLASTOSIS; HYPOGLYCEMIA, HYPERINSULINEMIC, OF INFANCY; NESIDIOBLASTOSIS OF PANCREAS. Identifiers: Orphanet 276575, Orphanet 276598, MedGen C2931832, MONDO:0009734, OMIM 256450.
Leucine-induced hypoglycemia (LIH). Also called: LEUCINE-SENSITIVE HYPOGLYCEMIA OF INFANCY. Identifiers: MedGen C0271714, MONDO:0009415, OMIM 240800.
Type 2 diabetes mellitus. Also called: Type II diabetes mellitus. Identifiers: MedGen C0011860, MeSH D003924, MONDO:0005148, OMIM 125853, HP:0005978.
Diabetes mellitus, transient neonatal, 2 (TNDM2). Identifiers: Orphanet 99886, MedGen C1835887, MONDO:0012480, OMIM 610374. Disease mechanism: loss of function.
Diabetes mellitus, permanent neonatal 3. Also called: ABCC8-Related Permanent Neonatal Diabetes Mellitus. Identifiers: MedGen C5394303, MONDO:0030088, OMIM 618857.

Allele frequency attached by ClinVar (database versions not stated): ESP Exome Variant Server 0.00015.

Submissions (5):

Women's Health and Genetics/Laboratory Corporation of America, LabCorp
Classification: Uncertain significance. Last evaluated: 2026-01-12. Review status: criteria provided, single submitter. Criteria: LabCorp Variant Classification Summary - May 2015. Collection method: clinical testing. Allele origin: germline.
Comment: Variant summary: ABCC8 c.2975G>C (p.Arg992Pro) results in a non-conservative amino acid change in the encoded protein sequence. Algorithms developed to predict the effect of missense changes on protein structure and function are either unavailable or do not agree on the potential impact of this missense change. The variant allele was found at a frequency of 3.2e-05 in 247480 control chromosomes. The available data on variant occurrences in the general population are insufficient to allow any conclusion about variant significance. c.2975G>C has been observed in unspecified individual(s) affected with dyslipidemia without strong evidence for causality (Dron_2020). These report(s) do not provide unequivocal conclusions about association of the variant with Familial Hyperinsulinism. To our knowledge, no experimental evidence demonstrating an impact on protein function has been reported. The following publication has been ascertained in the context of this evaluation (PMID: 32041611). ClinVar contains an entry for this variant (Variation ID: 1338672). Based on the evidence outlined above, the variant was classified as uncertain significance.

Fulgent Genetics
Classification: Uncertain significance for Type 2 diabetes mellitus; Leucine-induced hypoglycemia; Hyperinsulinemic hypoglycemia, familial, 1; Diabetes mellitus, transient neonatal, 2; Diabetes mellitus, permanent neonatal 3. Last evaluated: 2022-03-29. Review status: criteria provided, single submitter. Criteria: ACMG Guidelines, 2015. Collection method: clinical testing. Allele origin: unknown.

Genetic Services Laboratory, University of Chicago
Classification: Uncertain significance. Last evaluated: 2021-11-22. Review status: criteria provided, single submitter. Criteria: ACMG Guidelines, 2015. Collection method: clinical testing. Allele origin: germline. Affected: no.
Comment: DNA sequence analysis of the ABCC8 gene demonstrated a sequence change, c.2975G>C, in exon 25 that results in an amino acid change, p.Arg992Pro. This sequence change has been described in the gnomAD database with a frequency of 0.007% in the non-Finnish European subpopulation (dbSNP rs201499958). The p.Arg992Pro change affects a highly conserved amino acid residue located in a domain of the ABCC8 protein that is known to be functional. The p.Arg992Pro substitution appears to be deleterious using several in-silico pathogenicity prediction tools (SIFT, PolyPhen2, Align GVGD, REVEL). This variant has been identified in one individual with a clinical diagnosis of MODY (PMID: 34393998 ) and in an individual with dyslipidemia (PMID: 320416110). A different variant affecting the same amino acid, p.Arg992Cys, has been identified in an infant with diabetes mellitus, inherited from an asymptomatic mother (PMID: 27522937). Experimental studies of the p.Arg992Cys variant demonstrated this sequence change impacted the function of the ABCC8 protein (PMID: 30861254). Due to insufficient evidence and the lack of functional studies, the clinical significance of the p.Arg992Pro change remains unknown at this time.

Labcorp Genetics (formerly Invitae), Labcorp
Classification: Uncertain significance. Last evaluated: 2021-08-27. Review status: criteria provided, single submitter. Criteria: Invitae Variant Classification Sherloc (09022015). Collection method: clinical testing. Allele origin: germline.
Comment: This sequence change replaces arginine with proline at codon 992 of the ABCC8 protein (p.Arg992Pro). The arginine residue is highly conserved and there is a moderate physicochemical difference between arginine and proline. This variant is present in population databases (rs201499958, ExAC 0.003%). This variant has not been reported in the literature in individuals affected with ABCC8-related conditions. Algorithms developed to predict the effect of missense changes on protein structure and function are either unavailable or do not agree on the potential impact of this missense change (SIFT: "Deleterious"; PolyPhen-2: "Benign"; Align-GVGD: "Class C35"). In summary, the available evidence is currently insufficient to determine the role of this variant in disease. Therefore, it has been classified as a Variant of Uncertain Significance.

Ambry Genetics
Classification: Uncertain significance for Inborn genetic diseases. Last evaluated: 2021-08-23. Review status: criteria provided, single submitter. Criteria: Ambry Variant Classification Scheme 2023. Collection method: clinical testing. Allele origin: germline.

Literature cited by the submitters: PubMed 32041611 (cited by Women's Health and Genetics/Laboratory Corporation of America, LabCorp).

NM_000352.6(ABCC8):c.2975G>C (p.Arg992Pro)

Gene: ABCC8 (ATP binding cassette subfamily C member 8; minus strand). Cytogenetic location: 11p15.1.
Variant type: single nucleotide variant.
Coding change: c.2975G>C on transcript NM_000352.6 (MANE Select); coding-DNA position 2975, G replaced by C.
Protein change: p.Arg992Pro; replaces arginine 992 with proline.
Molecular consequence: missense variant. On other transcripts: non-coding transcript variant (1).
Genome position (GRCh38, 1-based): chr11:17,407,075, C>G on the plus strand (G>C on the coding strand, the complement: ABCC8 is on the minus strand). VCF-style: chr11-17407075-C-G. GRCh37 (hg19) VCF-style: chr11-17428622-C-G.
Other names: c.2978G>C, p.Arg993Pro (NM_001287174.3); c.3041G>C, p.Arg1014Pro (NM_001351295.2); c.2975G>C, p.Arg992Pro (NM_001351296.2); c.2972G>C, p.Arg991Pro (NM_001351297.2); c.2975G>C (NM_000352.3); short protein forms R1014P, R991P, R992P, R993P.
Identifiers: ClinVar variation 1338672 (VCV001338672.9), dbSNP rs201499958, ClinGen allele CA5902956.